The following is an entry in ClinVar:

NM_005235.3(ERBB4):c.2345G>C (p.Arg782Pro)

Gene: ERBB4 (erb-b2 receptor tyrosine kinase 4; minus strand). Cytogenetic location: 2q34.
Variant type: single nucleotide variant.
Coding change: c.2345G>C on transcript NM_005235.3 (MANE Select); coding-DNA position 2345, G replaced by C.
Protein change: p.Arg782Pro; replaces arginine 782 with proline.
Molecular consequence: missense variant.
Genome position (GRCh38, 1-based): chr2:211,562,045, C>G on the plus strand (G>C on the coding strand, the complement: ERBB4 is on the minus strand). VCF-style: chr2-211562045-C-G. GRCh37 (hg19) VCF-style: chr2-212426770-C-G.
Other names: c.2345G>C, p.Arg782Pro (NM_001042599.2); c.2315G>C, p.Arg772Pro (NM_001439005.1, NM_001439006.1); short protein forms R782P, R772P.
Identifiers: ClinVar variation 4693820 (VCV004693820.1).

ClinVar aggregate classification (germline): Uncertain significance (1 of 4 stars; one submission).

gnomAD v4.1: 11 of 1,613,786 alleles (0.00068%); highest among the groups gnomAD compares: Non-Finnish European, 0.00093%; no homozygotes.

Submission:

Labcorp Genetics (formerly Invitae), Labcorp
Classification: Uncertain significance. Last evaluated: 2025-11-11. Review status: criteria provided, single submitter. Criteria: Invitae Variant Classification Sherloc (09022015). Collection method: clinical testing. Allele origin: germline.
Comment: This sequence change replaces arginine, which is basic and polar, with proline, which is neutral and non-polar, at codon 782 of the ERBB4 protein (p.Arg782Pro). This variant is not present in population databases (gnomAD no frequency). This variant has not been reported in the literature in individuals affected with ERBB4-related conditions. Invitae Evidence Modeling of protein sequence and biophysical properties (such as structural, functional, and spatial information, amino acid conservation, physicochemical variation, residue mobility, and thermodynamic stability) indicates that this missense variant is expected to disrupt ERBB4 protein function with a positive predictive value of 80%. In summary, the available evidence is currently insufficient to determine the role of this variant in disease. Therefore, it has been classified as a Variant of Uncertain Significance.